The following is an entry in ClinVar:

ClinVar aggregate classification (germline): Uncertain significance (1 of 4 stars; one submission).

Submission:

Labcorp Genetics (formerly Invitae), Labcorp
Classification: Uncertain significance. Last evaluated: 2023-11-17. Review status: criteria provided, single submitter. Criteria: Invitae Variant Classification Sherloc (09022015). Collection method: clinical testing. Allele origin: germline.
Comment: This sequence change replaces serine, which is neutral and polar, with glycine, which is neutral and non-polar, at codon 251 of the IL6ST protein (p.Ser251Gly). This variant is not present in population databases (gnomAD no frequency). This variant has not been reported in the literature in individuals affected with IL6ST-related conditions. Algorithms developed to predict the effect of missense changes on protein structure and function output the following: SIFT: "Not Available"; PolyPhen-2: "Benign"; Align-GVGD: "Not Available". The glycine amino acid residue is found in multiple mammalian species, which suggests that this missense change does not adversely affect protein function. In summary, the available evidence is currently insufficient to determine the role of this variant in disease. Therefore, it has been classified as a Variant of Uncertain Significance.

NM_002184.4(IL6ST):c.751A>G (p.Ser251Gly)

Gene: IL6ST (interleukin 6 cytokine family signal transducer; minus strand). Cytogenetic location: 5q11.2.
Variant type: single nucleotide variant.
Coding change: c.751A>G on transcript NM_002184.4 (MANE Select); coding-DNA position 751, A replaced by G.
Protein change: p.Ser251Gly; replaces serine 251 with glycine.
Molecular consequence: missense variant. On other transcripts: 5 prime UTR variant (3), non-coding transcript variant (2).
Genome position (GRCh38, 1-based): chr5:55,963,414, T>C on the plus strand (A>G on the coding strand, the complement: IL6ST is on the minus strand). VCF-style: chr5-55963414-T-C. GRCh37 (hg19) VCF-style: chr5-55259242-T-C.
Other names: c.751A>G, p.Ser251Gly (NM_001190981.2, NM_001364275.2, NM_175767.3); c.541A>G, p.Ser181Gly (NM_001364276.2); c.-163A>G (NM_001364277.2, NM_001364279.2); c.-153A>G (NM_001364278.2); short protein forms S181G, S251G.
Identifiers: ClinVar variation 2696538 (VCV002696538.3), dbSNP rs2533540846, ClinGen allele CA359766357.
Genomic context (GRCh38, chr5:55,963,414, plus strand): 5'-GGCTCCAAGTTGAGGCATCTTTGGTCCTATATTGAATGTTATATTTTAGTATTATAACAC[T>C]CTTAATACTTGGGTTGGTCCATGTCAATTTTAAGATACTAGACAGTTCCTCTGAGTTGAT-3'
Protein context (NP_002175.2, residues 241-261): KLTWTNPSIK[Ser251Gly]VIILKYNIQY